The following is an entry in ClinVar:

NM_001395656.1(ROBO2):c.*3236G>A

Gene: ROBO2 (roundabout guidance receptor 2; plus strand). Cytogenetic location: 3p12.3.
Variant type: single nucleotide variant.
Coding change: c.*3236G>A on transcript NM_001395656.1 (MANE Select); 3236 bases downstream of the stop codon, G replaced by A.
Molecular consequence: 3 prime UTR variant.
Genome position (GRCh38, 1-based): chr3:77,649,291, G>A. VCF-style: chr3-77649291-G-A. GRCh37 (hg19) VCF-style: chr3-77698442-G-A.
Other names: c.*3236G>A (NM_001128929.3, NM_001290039.2, NM_001290040.2 and 14 more transcripts); c.*3233G>A (NM_001378194.1, NM_001378196.1, NM_001378199.1 and 3 more transcripts).
Identifiers: ClinVar variation 346763 (VCV000346763.7), dbSNP rs1163750, ClinGen allele CA10619623.

ClinVar aggregate classification (germline): Benign. Review status: criteria provided, multiple submitters, no conflicts (2 of 4 stars). 2 submissions from 2 submitters: Benign (2). Last evaluated 2018-01-13.

Conditions:
Vesicoureteral reflux 2 (VUR2). Identifiers: Orphanet 289365, MedGen C1970483, MONDO:0012573, OMIM 610878.

Allele frequency attached by ClinVar (database versions not stated): gnomAD 0.57899 and 0.57922; 1000 Genomes Project 0.58247; 1000 Genomes Project 30x 0.58276; TOPMed 0.58703.

Submissions (2):

Illumina Laboratory Services, Illumina
Classification: Benign for Vesicoureteral reflux 2. Last evaluated: 2018-01-13. Review status: criteria provided, single submitter. Criteria: ICSL Variant Classification Criteria 13 December 2019. Collection method: clinical testing. Allele origin: germline.
Comment: This variant was observed in the ICSL laboratory as part of a predisposition screen in an ostensibly healthy population. It had not been previously curated by ICSL or reported in the Human Gene Mutation Database (HGMD: prior to June 1st, 2018), and was therefore a candidate for classification through an automated scoring system. Utilizing variant allele frequency, disease prevalence and penetrance estimates, and inheritance mode, an automated score was calculated to assess if this variant is too frequent to cause the disease. Based on the score and internal cut-off values, a variant classified as benign is not then subjected to further curation. The score for this variant resulted in a classification of benign for this disease.

Breakthrough Genomics
Classification: Benign. Review status: criteria provided, single submitter. Criteria: ACMG Guidelines, 2015. Collection method: not provided. Allele origin: germline. Inheritance: Autosomal dominant inheritance. Affected: yes.